The following is an entry in ClinVar:

ClinVar aggregate classification (germline): Benign/Likely benign. Review status: criteria provided, multiple submitters, no conflicts (2 of 4 stars). 2 submissions from 2 submitters: Benign (1); Likely benign (1). Last evaluated 2026-05-15.

Conditions:
Neurofibromatosis, type 1 (NF1). Also called: VON RECKLINGHAUSEN DISEASE; NEUROFIBROMATOSIS, TYPE I, SOMATIC; Peripheral type neurofibromatosis; Neurofibromatosis, type I. Identifiers: Orphanet 636, MedGen C0027831, MONDO:0018975, OMIM 162200. Disease mechanism: loss of function.
Cardiovascular phenotype. Identifiers: MedGen CN230736.
Hereditary cancer-predisposing syndrome. Also called: Neoplastic Syndromes, Hereditary; Tumor predisposition; Hereditary neoplastic syndrome; Hereditary Cancer Syndrome. Identifiers: Orphanet 140162, MedGen C0027672, MeSH D009386, MONDO:0015356.

Submissions (2):

Myriad Genetics, Inc.
Classification: Benign for Neurofibromatosis, type 1. Last evaluated: 2026-05-15. Review status: criteria provided, single submitter. Criteria: Myriad Autosomal Dominant, Autosomal Recessive and X-Linked Classification Criteria (2023). Collection method: clinical testing. Allele origin: unknown.
Comment: This variant is considered benign. This variant is a silent/synonymous amino acid change and it is not expected to impact splicing.

Ambry Genetics
Classification: Likely benign for Cardiovascular phenotype; Hereditary cancer-predisposing syndrome. Last evaluated: 2025-09-20. Review status: criteria provided, single submitter. Criteria: Ambry Variant Classification Scheme 2023. Collection method: clinical testing. Allele origin: germline.

NM_001042492.3(NF1):c.1716G>A (p.Glu572=)

Gene: NF1 (neurofibromin 1; plus strand). Cytogenetic location: 17q11.2.
Variant type: single nucleotide variant.
Coding change: c.1716G>A on transcript NM_001042492.3 (MANE Select); coding-DNA position 1716, G replaced by A.
Protein change: p.Glu572=; no amino-acid change (glutamic acid 572 retained).
Molecular consequence: synonymous variant.
Genome position (GRCh38, 1-based): chr17:31,221,924, G>A. VCF-style: chr17-31221924-G-A. GRCh37 (hg19) VCF-style: chr17-29548942-G-A.
Other names: c.1716G>A, p.Glu572= (NM_000267.4, NM_001128147.3).
Identifiers: ClinVar variation 4615721 (VCV004615721.2).